The following is an entry in ClinVar:

NM_000374.5(UROD):c.494T>G (p.Met165Arg)

Gene: UROD (uroporphyrinogen decarboxylase; plus strand). Cytogenetic location: 1p34.1.
Variant type: single nucleotide variant.
Coding change: c.494T>G on transcript NM_000374.5 (MANE Select); coding-DNA position 494, T replaced by G.
Protein change: p.Met165Arg; replaces methionine 165 with arginine.
Molecular consequence: missense variant. On other transcripts: non-coding transcript variant (3).
Genome position (GRCh38, 1-based): chr1:45,013,928, T>G. VCF-style: chr1-45013928-T-G. GRCh37 (hg19) VCF-style: chr1-45479600-T-G.
Other names: c.494T>G (NM_000374.4); short protein forms M165R.
Identifiers: ClinVar variation 73 (VCV000000073.4), dbSNP rs121918063, ClinGen allele CA251378.

ClinVar aggregate classification (germline): Pathogenic/Likely pathogenic. Review status: criteria provided, multiple submitters, no conflicts (2 of 4 stars). 3 submissions from 3 submitters: Pathogenic (1); Likely pathogenic (1). 1 of the submissions does not count toward it. Last evaluated 2025-11-30.

Conditions:
Familial porphyria cutanea tarda (PCT). Also called: PCT, TYPE II; PORPHYRIA CUTANEA TARDA, TYPE II; PORPHYRIA, HEPATOCUTANEOUS TYPE; UROD DEFICIENCY; UROPORPHYRINOGEN DECARBOXYLASE DEFICIENCY; PCT, ''FAMILIAL'' TYPE. Identifiers: Orphanet 101330, Orphanet 443062, MedGen C0268323, MONDO:0008296, OMIM 176100.

Allele frequency attached by ClinVar (database versions not stated): gnomAD exomes below 0.00001; gnomAD 0.00001; TOPMed 0.00002.

Submissions (3):

Labcorp Genetics (formerly Invitae), Labcorp
Classification: Pathogenic. Last evaluated: 2025-11-30. Review status: criteria provided, single submitter. Criteria: Invitae Variant Classification Sherloc (09022015). Collection method: clinical testing. Allele origin: germline.
Comment: This sequence change replaces methionine, which is neutral and non-polar, with arginine, which is basic and polar, at codon 165 of the UROD protein (p.Met165Arg). This variant is not present in population databases (gnomAD no frequency). This missense change has been observed in individual(s) with porphyria cutanea tarda (PMID: 9792863, 22382040). ClinVar contains an entry for this variant (Variation ID: 73). Invitae Evidence Modeling of protein sequence and biophysical properties (such as structural, functional, and spatial information, amino acid conservation, physicochemical variation, residue mobility, and thermodynamic stability) indicates that this missense variant is expected to disrupt UROD protein function with a positive predictive value of 80%. Experimental studies have shown that this missense change affects UROD function (PMID: 9792863). For these reasons, this variant has been classified as Pathogenic.

GeneDx
Classification: Likely pathogenic. Last evaluated: 2024-02-28. Review status: criteria provided, single submitter. Criteria: GeneDx Variant Classification Process June 2021. Collection method: clinical testing. Allele origin: germline. Affected: yes.
Comment: In silico analysis supports that this missense variant has a deleterious effect on protein structure/function; Not observed at significant frequency in large population cohorts (gnomAD); This variant is associated with the following publications: (PMID: 11719352, 10477430, 9792863, 22382040, 23545314)

OMIM
Classification: Pathogenic for PORPHYRIA CUTANEA TARDA. Last evaluated: 1998-11-01. Review status: no assertion criteria provided. Collection method: literature only. Allele origin: germline. Not counted in ClinVar's aggregate classification.

Literature cited by the submitters: PubMed 9792863 (cited by Labcorp Genetics (formerly Invitae), Labcorp and OMIM); PubMed 22382040 (cited by Labcorp Genetics (formerly Invitae), Labcorp).